The following is an entry in ClinVar:

ClinVar aggregate classification (germline): Uncertain significance (1 of 4 stars; one submission).

Conditions:
Inborn genetic diseases. Identifiers: MedGen C0950123, MeSH D030342.

Submission:

Ambry Genetics
Classification: Uncertain significance for Inborn genetic diseases. Last evaluated: 2026-01-19. Review status: criteria provided, single submitter. Criteria: Ambry Variant Classification Scheme 2023. Collection method: clinical testing. Allele origin: germline.
Comment: The p.V542I variant (also known as c.1624G>A), located in coding exon 1 of the SAMD9 gene, results from a G to A substitution at nucleotide position 1624. The valine at codon 542 is replaced by isoleucine, an amino acid with highly similar properties. This amino acid position is conserved. In addition, this alteration is predicted to be tolerated by in silico analysis. Based on the available evidence, the clinical significance of this variant remains unclear.

NM_017654.4(SAMD9):c.1624G>A (p.Val542Ile)

Gene: SAMD9 (sterile alpha motif domain containing 9; minus strand). Cytogenetic location: 7q21.2.
Variant type: single nucleotide variant.
Coding change: c.1624G>A on transcript NM_017654.4 (MANE Select); coding-DNA position 1624, G replaced by A.
Protein change: p.Val542Ile; replaces valine 542 with isoleucine.
Molecular consequence: missense variant.
Genome position (GRCh38, 1-based): chr7:93,104,474, C>T on the plus strand (G>A on the coding strand, the complement: SAMD9 is on the minus strand). VCF-style: chr7-93104474-C-T. GRCh37 (hg19) VCF-style: chr7-92733787-C-T.
Other names: c.1624G>A, p.Val542Ile (NM_001193307.2); short protein forms V542I.
Identifiers: ClinVar variation 4824678 (VCV004824678.1).